The following is an entry in ClinVar:

ClinVar aggregate classification (germline): Conflicting classifications of pathogenicity. Review status: criteria provided, conflicting classifications (1 of 4 stars). 2 submissions from 2 submitters: Uncertain significance (1); Likely benign (1). Last evaluated 2022-08-10.

Conditions:
Inborn genetic diseases. Identifiers: MedGen C0950123, MeSH D030342.
Neuropathy, hereditary sensory and autonomic, type 1C. Also called: HSAN IC; HSN IC. Identifiers: Orphanet 36386, MedGen C3150896, MONDO:0013337, OMIM 613640.

Allele frequency attached by ClinVar (database versions not stated): gnomAD exomes 0.00001 and 0.00004; TOPMed 0.00002; gnomAD 0.00005 and 0.00006.
gnomAD v4.1: 58 of 1,614,058 alleles (0.0036%); highest among the groups gnomAD compares: Non-Finnish European, 0.0047%; no homozygotes.

Submissions (2):

Labcorp Genetics (formerly Invitae), Labcorp
Classification: Likely benign for Neuropathy, hereditary sensory and autonomic, type 1C. Last evaluated: 2022-08-10. Review status: criteria provided, single submitter. Criteria: Invitae Variant Classification Sherloc (09022015). Collection method: clinical testing. Allele origin: germline.

Ambry Genetics
Classification: Uncertain significance for Inborn genetic diseases. Last evaluated: 2021-10-29. Review status: criteria provided, single submitter. Criteria: Ambry Variant Classification Scheme 2023. Collection method: clinical testing. Allele origin: germline.

NM_004863.4(SPTLC2):c.1217T>C (p.Val406Ala)

Gene: SPTLC2 (serine palmitoyltransferase long chain base subunit 2; minus strand). Cytogenetic location: 14q24.3.
Variant type: single nucleotide variant.
Coding change: c.1217T>C on transcript NM_004863.4 (MANE Select); coding-DNA position 1217, T replaced by C.
Protein change: p.Val406Ala; replaces valine 406 with alanine.
Molecular consequence: missense variant.
Genome position (GRCh38, 1-based): chr14:77,552,182, A>G on the plus strand (T>C on the coding strand, the complement: SPTLC2 is on the minus strand). VCF-style: chr14-77552182-A-G. GRCh37 (hg19) VCF-style: chr14-78018525-A-G.
Other names: short protein forms V406A.
Identifiers: ClinVar variation 839300 (VCV000839300.11), dbSNP rs1024879456, ClinGen allele CA263844898.